The following is an entry in ClinVar:

ClinVar aggregate classification (germline): Likely benign. Review status: criteria provided, single submitter (1 of 4 stars). 2 submissions from 2 submitters: Likely benign (1). 1 of the submissions does not count toward it. Last evaluated 2025-04-21.

Conditions:
NF2-related disorder. Also called: NF2-related condition.
Neurofibromatosis, type 2 (SWNV). Also called: BILATERAL ACOUSTIC NEUROFIBROMATOSIS; SCHWANNOMATOSIS, VESTIBULAR; NF2-Related Schwannomatosis. Identifiers: Orphanet 637, MedGen C0027832, MONDO:0007039, OMIM 101000. Disease mechanism: loss of function.

Submissions (2):

Labcorp Genetics (formerly Invitae), Labcorp
Classification: Likely benign for Neurofibromatosis, type 2. Last evaluated: 2025-04-21. Review status: criteria provided, single submitter. Criteria: Invitae Variant Classification Sherloc (09022015). Collection method: clinical testing. Allele origin: germline.

PreventionGenetics, part of Exact Sciences
Classification: Likely benign for NF2-related condition. Last evaluated: 2021-03-02. Review status: no assertion criteria provided. Collection method: clinical testing. Allele origin: germline. Not counted in ClinVar's aggregate classification.
Comment: This variant is classified as likely benign based on ACMG/AMP sequence variant interpretation guidelines (Richards et al. 2015 PMID: 25741868, with internal and published modifications).

NM_000268.4(NF2):c.115-6T>C

Gene: NF2 (NF2, moesin-ezrin-radixin like (MERLIN) tumor suppressor; plus strand). Cytogenetic location: 22q12.2.
Variant type: single nucleotide variant.
Coding change: c.115-6T>C on transcript NM_000268.4 (MANE Select); 6 bases into the intron before coding-DNA position 115, T replaced by C.
Molecular consequence: intron variant.
Genome position (GRCh38, 1-based): chr22:29,636,745, T>C. VCF-style: chr22-29636745-T-C. GRCh37 (hg19) VCF-style: chr22-30032734-T-C.
Other names: c.115-6T>C (NM_016418.5, NM_181832.3, NM_181833.3 and 3 more transcripts); c.115-2345T>C (NM_181828.3); c.115-5457T>C (NM_181830.3, NM_181831.3).
Identifiers: ClinVar variation 1112646 (VCV001112646.16), dbSNP rs2146851312, ClinGen allele CA2499226116.